The following is an entry in ClinVar:

ClinVar aggregate classification (germline): Uncertain significance (1 of 4 stars; one submission).

Conditions:
SH2B1-related disorder. Also called: SH2B1-related condition.

Submission:

PreventionGenetics, part of Exact Sciences
Classification: Uncertain significance for SH2B1-related condition. Last evaluated: 2025-08-19. Review status: criteria provided, single submitter. Criteria: ACMG Guidelines, 2015. Collection method: clinical testing. Allele origin: germline.
Comment: The SH2B1 c.640G>C variant is predicted to result in the amino acid substitution p.Val214Leu. To our knowledge, this variant has not been reported in the literature or in a large population database (gnomAD), indicating it is rare. At this time, the clinical significance of this variant is uncertain due to the absence of conclusive functional and genetic evidence.

NM_001387430.1(SH2B1):c.640G>C (p.Val214Leu)

Gene: SH2B1 (SH2B adaptor protein 1; plus strand). Cytogenetic location: 16p11.2.
Variant type: single nucleotide variant.
Coding change: c.640G>C on transcript NM_001387430.1 (MANE Select); coding-DNA position 640, G replaced by C.
Protein change: p.Val214Leu; replaces valine 214 with leucine.
Molecular consequence: missense variant. On other transcripts: intron variant (1).
Genome position (GRCh38, 1-based): chr16:28,866,734, G>C. VCF-style: chr16-28866734-G-C. GRCh37 (hg19) VCF-style: chr16-28878055-G-C.
Other names: c.640G>C, p.Val214Leu (NM_001145795.2, NM_001145796.2, NM_001145797.2 and 4 more transcripts); c.-26-640G>C (NM_001308294.2); short protein forms V214L.
Identifiers: ClinVar variation 3355603 (VCV003355603.2).